The following is an entry in ClinVar:

NM_012186.3(FOXE3):c.495_496delinsAA (p.Arg166Ser)

Genes: LINC01389 (long independently transcribed non-coding RNA 1389; minus strand), FOXE3 (forkhead box E3; plus strand). Cytogenetic location: 1p33.
Variant type: Indel.
Coding change: c.495_496delinsAA on transcript NM_012186.3 (MANE Select); coding-DNA positions 495 to 496, GC replaced by AA.
Protein change: p.Arg166Ser; replaces arginine 166 with serine.
Molecular consequence: missense variant.
Genome position (GRCh38, 1-based): chr1:47,416,810-47,416,811, GC replaced by AA. VCF-style: chr1-47416810-GC-AA. GRCh37 (hg19) VCF-style: chr1-47882482-GC-AA.
Other names: short protein forms R166S.
Identifiers: ClinVar variation 4785164 (VCV004785164.1).

ClinVar aggregate classification (germline): Uncertain significance (1 of 4 stars; one submission).

Conditions:
Anterior segment dysgenesis. Also called: Ocular anterior segment dysgenesis. Identifiers: Orphanet 88632, MedGen C1862839, MONDO:0019503, HP:0007700.
Congenital primary aphakia. Also called: Anterior segment dysgenesis 2, multiple subtypes; ANTERIOR SEGMENT DYSGENESIS 2. Identifiers: Orphanet 83461, MedGen C1853230, MONDO:0012456, OMIM 610256.

Submission:

Labcorp Genetics (formerly Invitae), Labcorp
Classification: Uncertain significance for Anterior segment dysgenesis; Congenital primary aphakia. Last evaluated: 2025-06-03. Review status: criteria provided, single submitter. Criteria: Invitae Variant Classification Sherloc (09022015). Collection method: clinical testing. Allele origin: germline.
Comment: This sequence change replaces arginine, which is basic and polar, with serine, which is neutral and polar, at codon 166 of the FOXE3 protein (p.Arg166Ser). Information on the frequency of this variant in the gnomAD database is not available, as this variant may be reported differently in the database. This variant has not been reported in the literature in individuals affected with FOXE3-related conditions. Experimental studies and prediction algorithms are not available or were not evaluated, and the functional significance of this variant is currently unknown. In summary, the available evidence is currently insufficient to determine the role of this variant in disease. Therefore, it has been classified as a Variant of Uncertain Significance.